The following is an entry in ClinVar:

NM_014009.4(FOXP3):c.766A>G (p.Met256Val)

Gene: FOXP3 (forkhead box P3; minus strand). Cytogenetic location: Xp11.23.
Variant type: single nucleotide variant.
Coding change: c.766A>G on transcript NM_014009.4 (MANE Select); coding-DNA position 766, A replaced by G.
Protein change: p.Met256Val; replaces methionine 256 with valine.
Molecular consequence: missense variant.
Genome position (GRCh38, 1-based): chrX:49,255,479, T>C on the plus strand (A>G on the coding strand, the complement: FOXP3 is on the minus strand). VCF-style: chrX-49255479-T-C. GRCh37 (hg19) VCF-style: chrX-49111940-T-C.
Other names: c.661A>G, p.Met221Val (NM_001114377.2); short protein forms M256V, M221V.
Identifiers: ClinVar variation 4763913 (VCV004763913.1).

ClinVar aggregate classification (germline): Pathogenic (1 of 4 stars; one submission).

Conditions:
Insulin-dependent diabetes mellitus secretory diarrhea syndrome (IPEX). Also called: IMMUNODEFICIENCY, POLYENDOCRINOPATHY, AND ENTEROPATHY, X-LINKED; Immunodeficiency, Polyendocrinopathy, and Enteropathy X-Linked Syndrome; X-Linked Syndrome of Polyendocrinopathy, Immune Dysfunction, and Diarrhea; IPEX and IPEX-Like; DIABETES MELLITUS, CONGENITAL INSULIN-DEPENDENT, WITH FATAL SECRETORY DIARRHEA; DIARRHEA, POLYENDOCRINOPATHY, FATAL INFECTION SYNDROME, X-LINKED. Identifiers: Orphanet 37042, MedGen C0342288, MONDO:0010580, OMIM 304790. Disease mechanism: loss of function.

Submission:

Labcorp Genetics (formerly Invitae), Labcorp
Classification: Pathogenic for Insulin-dependent diabetes mellitus secretory diarrhea syndrome. Last evaluated: 2025-09-15. Review status: criteria provided, single submitter. Criteria: Invitae Variant Classification Sherloc (09022015). Collection method: clinical testing. Allele origin: germline.
Comment: This sequence change replaces methionine, which is neutral and non-polar, with valine, which is neutral and non-polar, at codon 256 of the FOXP3 protein (p.Met256Val). This variant is not present in population databases (gnomAD no frequency). This variant is not present in population databases (gnomAD no frequency). This missense change has been observed in individuals with clinical features of IPEX syndrome (PMID: 32289814, 33546062, 35434975, 36091011, 36600150). This missense change has been observed in individuals with IPEX syndrome (PMID: 32289814, 33546062, 35434975, 36091011, 36600150). Invitae Evidence Modeling of protein sequence and biophysical properties (such as structural, functional, and spatial information, amino acid conservation, physicochemical variation, residue mobility, and thermodynamic stability) indicates that this missense variant is expected to disrupt FOXP3 protein function with a positive predictive value of 80%. For these reasons, this variant has been classified as Pathogenic. For these reasons, this variant has been classified as Pathogenic.

Literature cited by the submitters: PubMed 32289814; PubMed 33546062; PubMed 35434975; PubMed 36091011; PubMed 36600150.